The following is an entry in ClinVar:

NM_001145358.2(SIN3A):c.757-22T>G

Gene: SIN3A (SIN3 transcription regulator family member A; minus strand). Cytogenetic location: 15q24.2.
Variant type: single nucleotide variant.
Coding change: c.757-22T>G on transcript NM_001145358.2 (MANE Select); 22 bases into the intron before coding-DNA position 757, T replaced by G.
Molecular consequence: intron variant.
Genome position (GRCh38, 1-based): chr15:75,411,765, A>C on the plus strand (T>G on the coding strand, the complement: SIN3A is on the minus strand). VCF-style: chr15-75411765-A-C. GRCh37 (hg19) VCF-style: chr15-75704106-A-C.
Other names: c.757-22T>G (NM_001145357.2, NM_015477.3).
Identifiers: ClinVar variation 3318553 (VCV003318553.1).
Genomic context (GRCh38, chr15:75,411,765, plus strand): 5'-CTGCTGACTGGCCGGAGTATGTGCTTGCAGTTGGGAGGGCTAGAAAGAAAAGAAATCTTT[A>C]TTCTCTTCAGATGCATAGATGAGTTGATACAAGGAAAGTTCAAACTAAAGAGAAACAAGG-3'

ClinVar aggregate classification (germline): Uncertain significance (1 of 4 stars; one submission).

Conditions:
Inborn genetic diseases. Identifiers: MedGen C0950123, MeSH D030342.

Submission:

Ambry Genetics
Classification: Uncertain significance for Inborn genetic diseases. Last evaluated: 2024-05-28. Review status: criteria provided, single submitter. Criteria: Ambry Variant Classification Scheme 2023. Collection method: clinical testing. Allele origin: germline.
Comment: The c.757-22T>G intronic alteration results from a T to G substitution 22 nucleotides before coding exon 5 of the SIN3A gene. This variant was not reported in population-based cohorts in the Genome Aggregation Database (gnomAD). This nucleotide position is well conserved in available vertebrate species. In silico splice site analysis predicts that this alteration will result in the creation or strengthening of a novel splice acceptor site. Based on insufficient or conflicting evidence, the clinical significance of this alteration remains unclear.